The following is an entry in ClinVar:

ClinVar aggregate classification (germline): Uncertain significance (1 of 4 stars; one submission).

Submission:

Labcorp Genetics (formerly Invitae), Labcorp
Classification: Uncertain significance. Last evaluated: 2021-12-30. Review status: criteria provided, single submitter. Criteria: Invitae Variant Classification Sherloc (09022015). Collection method: clinical testing. Allele origin: germline.
Comment: In summary, the available evidence is currently insufficient to determine the role of this variant in disease. Therefore, it has been classified as a Variant of Uncertain Significance. Experimental studies and prediction algorithms are not available or were not evaluated, and the functional significance of this variant is currently unknown. This variant has not been reported in the literature in individuals affected with LARP7-related conditions. The frequency data for this variant in the population databases is considered unreliable, as metrics indicate poor data quality at this position in the gnomAD database. This variant, c.663_668del, results in the deletion of 2 amino acid(s) of the LARP7 protein (p.Lys224_Lys225del), but otherwise preserves the integrity of the reading frame.

NM_016648.4(LARP7):c.657AAAGAA[1] (p.Lys224_Lys225del)

Genes: LARP7 (La ribonucleoprotein 7, transcriptional regulator; plus strand), MIR302CHG (miR-302/367 cluster host gene; minus strand). Cytogenetic location: 4q25.
Variant type: Microsatellite.
Coding change: c.657AAAGAA[1] on transcript NM_016648.4 (MANE Select); one copy of the 6-base unit AAAGAA starting at c.657; the reference has two copies in a row; one copy, 6 bases deleted.
Protein change: p.Lys224_Lys225del.
Molecular consequence: inframe deletion.
Genome position (GRCh38, 1-based): chr4:112,647,215-112,647,220, AAAGAA deleted; deleting any 6 consecutive bases within chr4:112,647,204-112,647,220 gives the same sequence; the position shown is the placement nearest the transcript's 3' end. VCF-style (leftmost placement, unchanged base first): chr4-112647203-GAAGAAA-G. GRCh37 (hg19) VCF-style: chr4-113568359-GAAGAAA-G.
Other names: c.657AAAGAA[1], p.Lys224_Lys225del (NM_001267039.4, NM_001370974.1, NM_001370975.1 and 2 more transcripts); c.654AAAGAA[1], p.Lys223_Lys224del (NM_001370976.1, NM_001370977.1, NM_001370979.1 and 1 more transcripts); c.420AAAGAA[1], p.Lys145_Lys146del (NM_001370981.1, NM_001370982.1).
Identifiers: ClinVar variation 1989345 (VCV001989345.2), dbSNP rs745386224, ClinGen allele CA103805968.